The following is an entry in ClinVar:

ClinVar aggregate classification (germline): Likely pathogenic. Review status: criteria provided, multiple submitters, no conflicts (2 of 4 stars). 2 submissions from 2 submitters: Likely pathogenic (2). Last evaluated 2023-07-28.

Conditions:
Aplastic anemia. Identifiers: Orphanet 182040, Orphanet 88, MedGen C0002874, MONDO:0015909, OMIM 609135, HP:0001915.

Allele frequency attached by ClinVar (database versions not stated): gnomAD exomes below 0.00001; TOPMed 0.00001.
gnomAD v4.1: 2 of 1,614,096 alleles (0.00012%); highest among the groups gnomAD compares: East Asian, 0.0022%; no homozygotes.

Submissions (2):

Baylor Genetics
Classification: Likely pathogenic for Aplastic anemia. Last evaluated: 2023-07-28. Review status: criteria provided, single submitter. Criteria: ACMG Guidelines, 2015. Collection method: clinical testing. Allele origin: unknown.

GeneDx
Classification: Likely pathogenic. Last evaluated: 2016-06-14. Review status: criteria provided, single submitter. Criteria: GeneDx Variant Classification (06012015). Collection method: clinical testing. Allele origin: germline. Affected: yes.
Comment: The Y32C variant in the SBDS gene has been reported previously in patients with Shwachmann-Diamond syndrome who were also heterozygous for the c.258+2 T>C variant (Nicolis et at., 2005; Rosendahl et al., 2006). It was not observed in approximately 6,500 individuals of European and African American ancestry in the NHLBI Exome Sequencing Project, indicating it is not a common benign variant in these populations. Y32C is a non-conservative amino acid substitution, which is likely to impact secondary protein structure as these residues differ in polarity, charge, size and/or other properties. Although this substitution occurs at a position that is not conserved, in silico analysis predicts this variant is probably damaging to the protein structure/function. Missense variants in nearby residues (F27L, A30S, C31W, K33E, N34I) have been reported in the Human Gene Mutation Database in association with Shwachmann-Diamond syndrome (Stenson et al., 2014), supporting the functional importance of this region of the protein. In addition, functional studies with chemical shift perturbation have shown that the Y32C variant may impact stability or folding of the SBDS protein (Finch et al., 2011). Therefore, this variant is likely pathogenic; however, the possibility that it is benign cannot be excluded

NM_016038.4(SBDS):c.95A>G (p.Tyr32Cys)

Gene: SBDS (SBDS ribosome maturation factor; minus strand). Cytogenetic location: 7q11.21.
Variant type: single nucleotide variant.
Coding change: c.95A>G on transcript NM_016038.4 (MANE Select); coding-DNA position 95, A replaced by G.
Protein change: p.Tyr32Cys; replaces tyrosine 32 with cysteine.
Molecular consequence: missense variant.
Genome position (GRCh38, 1-based): chr7:66,995,323, T>C on the plus strand (A>G on the coding strand, the complement: SBDS is on the minus strand). VCF-style: chr7-66995323-T-C. GRCh37 (hg19) VCF-style: chr7-66460310-T-C.
Other names: c.95A>G (LRG_104t1); short protein forms Y32C.
Identifiers: ClinVar variation 430228 (VCV000430228.3), dbSNP rs1131691842, ClinGen allele CA367655099.